The following is an entry in ClinVar:

NM_178862.3(STT3B):c.2378A>C (p.Lys793Thr)

Gene: STT3B (STT3 oligosaccharyltransferase complex catalytic subunit B; plus strand). Cytogenetic location: 3p23.
Variant type: single nucleotide variant.
Coding change: c.2378A>C on transcript NM_178862.3 (MANE Select); coding-DNA position 2378, A replaced by C.
Protein change: p.Lys793Thr; replaces lysine 793 with threonine.
Molecular consequence: missense variant.
Genome position (GRCh38, 1-based): chr3:31,633,125, A>C. VCF-style: chr3-31633125-A-C. GRCh37 (hg19) VCF-style: chr3-31674617-A-C.
Other names: short protein forms K793T.
Identifiers: ClinVar variation 2719019 (VCV002719019.3), dbSNP rs1699694981, ClinGen allele CA351817050.
Genomic context (GRCh38, chr3:31,633,125, plus strand): 5'-AAGCACCTGATAACAGGGAGACATTAGATCACAAACCTCGAGTCACCAACATTTTCCCAA[A>C]ACAGAAGTATTTGTCAAAGAAGGTGGGTGCCAAGTGAAGGCATTAAAGGGTAACTTAAGG-3'
Protein context (NP_849193.1, residues 783-803): HKPRVTNIFP[Lys793Thr]QKYLSKKTTK

ClinVar aggregate classification (germline): Uncertain significance (1 of 4 stars; one submission).

Conditions:
STT3B-congenital disorder of glycosylation. Also called: Congenital disorder of glycosylation type 1x; STT3B-CDG; CDG Ix. Identifiers: Orphanet 370924, MedGen C2931007, MONDO:0014271, OMIM 615597.

Submission:

Labcorp Genetics (formerly Invitae), Labcorp
Classification: Uncertain significance for STT3B-congenital disorder of glycosylation. Last evaluated: 2024-10-17. Review status: criteria provided, single submitter. Criteria: Invitae Variant Classification Sherloc (09022015). Collection method: clinical testing. Allele origin: germline.
Comment: This sequence change replaces lysine, which is basic and polar, with threonine, which is neutral and polar, at codon 793 of the STT3B protein (p.Lys793Thr). This variant is not present in population databases (gnomAD no frequency). This variant has not been reported in the literature in individuals affected with STT3B-related conditions. An algorithm developed to predict the effect of missense changes on protein structure and function (PolyPhen-2) suggests that this variant is likely to be tolerated. In summary, the available evidence is currently insufficient to determine the role of this variant in disease. Therefore, it has been classified as a Variant of Uncertain Significance.